The following is an entry in ClinVar:

ClinVar aggregate classification (germline): Likely pathogenic (1 of 4 stars; one submission).

Submission:

Dasa
Classification: Likely pathogenic. Last evaluated: 2025-12-15. Review status: criteria provided, single submitter. Criteria: DASA Assertion Criteria. Collection method: clinical testing. Allele origin: germline.
Comment: NM_002076.4(GNS):c.1509del (p.Met503Ilefs*5) is a frameshift variant in GNS predicted to alter the reading frame and introduce a premature termination codon and is predicted to result in an absent or altered protein product. Loss of function is an established disease mechanism for GNS-associated disorders. Also, this variant is rare in population databases. Based on the currently available evidence, this variant is classified as likely pathogenic.

NM_002076.4(GNS):c.1509del (p.Met503fs)

Gene: GNS (glucosamine (N-acetyl)-6-sulfatase; minus strand). Cytogenetic location: 12q14.3.
Variant type: Deletion.
Coding change: c.1509del on transcript NM_002076.4 (MANE Select); coding-DNA position 1509, one base deleted (G; older notation c.1509delG).
Protein change: p.Met503fs; shifts the reading frame from methionine 503.
Molecular consequence: frameshift variant.
Genome position (GRCh38, 1-based): chr12:64,720,093, C deleted on the plus strand (G on the coding strand, the reverse complement: GNS is on the minus strand). VCF-style (leftmost placement, unchanged base first): chr12-64720092-TC-T. GRCh37 (hg19) VCF-style: chr12-65113872-TC-T.
Other names: short protein forms M503fs.
Identifiers: ClinVar variation 4880592 (VCV004880592.2).